The following is an entry in ClinVar:

ClinVar aggregate classification (germline): Pathogenic (1 of 4 stars; one submission).

Conditions:
Perrault syndrome. Also called: Gonadal dysgenesis with auditory dysfunction, autosomal recessive inheritance. Identifiers: Orphanet 2855, MedGen C0685838, MONDO:0017312.
Bifunctional peroxisomal enzyme deficiency (DBIF). Also called: DBP DEFICIENCY; PBFE DEFICIENCY; D-bifunctional protein deficiency. Identifiers: Orphanet 300, MedGen C0342870, MONDO:0009855, OMIM 261515. Disease mechanism: loss of function.

Submission:

Labcorp Genetics (formerly Invitae), Labcorp
Classification: Pathogenic for Perrault syndrome; Bifunctional peroxisomal enzyme deficiency. Last evaluated: 2023-04-12. Review status: criteria provided, single submitter. Criteria: Invitae Variant Classification Sherloc (09022015). Collection method: clinical testing. Allele origin: germline.
Comment: For these reasons, this variant has been classified as Pathogenic. This variant disrupts a region of the HSD17B4 protein in which other variant(s) (p.Asn98Ser) have been determined to be pathogenic (PMID: 27790638). This suggests that this is a clinically significant region of the protein, and that variants that disrupt it are likely to be disease-causing. This variant has not been reported in the literature in individuals affected with HSD17B4-related conditions. This variant results in the deletion of part of exon 5 (c.283_302+2delins16) of the HSD17B4 gene. It is expected to disrupt RNA splicing. Variants that disrupt the donor or acceptor splice site typically lead to a loss of protein function (PMID: 16199547), and loss-of-function variants in HSD17B4 are known to be pathogenic (PMID: 11810648, 16385454, 20673864).

Literature cited by the submitters: PubMed 27790638; PubMed 16199547; PubMed 11810648; PubMed 16385454; PubMed 20673864.

NM_000414.4(HSD17B4):c.283_302+2delinsATATAAAAAAAGAAAA

Gene: HSD17B4 (hydroxysteroid 17-beta dehydrogenase 4; plus strand). Cytogenetic location: 5q23.1.
Variant type: Indel.
Coding change: c.283_302+2delinsATATAAAAAAAGAAAA on transcript NM_000414.4 (MANE Select); coding-DNA position 283 through the canonical splice donor site of the intron after coding-DNA position 302, GTTGTGGTCAACAATGCTGGGT replaced by ATATAAAAAAAGAAAA.
Molecular consequence: splice donor variant. On other transcripts: initiator codon variant (1).
Genome position (GRCh38, 1-based): chr5:119,475,708-119,475,729, GTTGTGGTCAACAATGCTGGGT replaced by ATATAAAAAAAGAAAA. GRCh37 (hg19): chr5:118,811,403-118,811,424.
Other names: c.-129_-110+2delinsATATAAAAAAAGAAAA (NM_001374503.1, NM_001374502.1, NM_001374501.1 and 1 more transcripts); c.358_377+2delinsATATAAAAAAAGAAAA (NM_001199291.3); c.3_22+2delinsATATAAAAAAAGAAAA (NM_001374499.1); c.-256_-237+2delinsATATAAAAAAAGAAAA (NM_001374500.1); c.211_230+2delinsATATAAAAAAAGAAAA (NM_001292027.2); c.283_302+2delinsATATAAAAAAAGAAAA (NM_001374498.1, NM_001374497.1); c.229_248+2delinsATATAAAAAAAGAAAA (NM_001199292.2).
Identifiers: ClinVar variation 2946650 (VCV002946650.3), dbSNP rs2531609463, ClinGen allele CA2740094025.